The following is an entry in ClinVar:

NM_001384732.1(CPLANE1):c.6638T>C (p.Ile2213Thr)

Gene: CPLANE1 (ciliogenesis and planar polarity effector complex subunit 1; minus strand). Cytogenetic location: 5p13.2.
Variant type: single nucleotide variant.
Coding change: c.6638T>C on transcript NM_001384732.1 (MANE Select); coding-DNA position 6638, T replaced by C.
Protein change: p.Ile2213Thr; replaces isoleucine 2213 with threonine.
Molecular consequence: missense variant.
Genome position (GRCh38, 1-based): chr5:37,169,386, A>G on the plus strand (T>C on the coding strand, the complement: CPLANE1 is on the minus strand). VCF-style: chr5-37169386-A-G. GRCh37 (hg19) VCF-style: chr5-37169488-A-G.
Other names: c.6638T>C, p.Ile2213Thr (NM_023073.4); short protein forms I2213T.
Identifiers: ClinVar variation 1419848 (VCV001419848.3), dbSNP rs575049365, ClinGen allele CA359480128.
Genomic context (GRCh38, chr5:37,169,386, plus strand): 5'-TTAGACTTAAATTGAAGCAAAGGAAAGCCATCACCAGGACTAAATGTTTTTGCATGTGGG[A>G]TAAGTCTAGGTGCCTTCTGAACAACAGAAGGTGTGGACAAAAGGTAGAGGTGAGTATTTC-3'
Protein context (NP_001371661.1, residues 2203-2223): PSVVQKAPRL[Ile2213Thr]PHAKTFSPGD

ClinVar aggregate classification (germline): Uncertain significance (1 of 4 stars; one submission).

gnomAD v4.1: 9 of 1,614,216 alleles (0.00056%); highest among the groups gnomAD compares: African/African-American, 0.0013%; no homozygotes.

Submission:

Labcorp Genetics (formerly Invitae), Labcorp
Classification: Uncertain significance. Last evaluated: 2022-08-09. Review status: criteria provided, single submitter. Criteria: Invitae Variant Classification Sherloc (09022015). Collection method: clinical testing. Allele origin: germline.
Comment: This sequence change replaces isoleucine, which is neutral and non-polar, with threonine, which is neutral and polar, at codon 2213 of the CPLANE1 protein (p.Ile2213Thr). This variant is present in population databases (no rsID available, gnomAD 0.0009%). This variant has not been reported in the literature in individuals affected with CPLANE1-related conditions. ClinVar contains an entry for this variant (Variation ID: 1419848). Advanced modeling of protein sequence and biophysical properties (such as structural, functional, and spatial information, amino acid conservation, physicochemical variation, residue mobility, and thermodynamic stability) performed at Invitae indicates that this missense variant is not expected to disrupt CPLANE1 protein function. In summary, the available evidence is currently insufficient to determine the role of this variant in disease. Therefore, it has been classified as a Variant of Uncertain Significance.